The following is an entry in ClinVar:

ClinVar aggregate classification (germline): Uncertain significance. Review status: criteria provided, multiple submitters, no conflicts (2 of 4 stars). 2 submissions from 2 submitters: Uncertain significance (2). Last evaluated 2026-01-26.

Conditions:
Cardiovascular phenotype. Identifiers: MedGen CN230736.
Capillary malformation-arteriovenous malformation syndrome. Also called: Capillary malformation-arteriovenous malformation. Identifiers: Orphanet 137667, MedGen C1842180, MONDO:0012016.

Allele frequency attached by ClinVar (database versions not stated): gnomAD 0.00001; gnomAD exomes below 0.00001.
gnomAD v4.1: 2 of 1,613,888 alleles (0.00012%); highest among the groups gnomAD compares: Non-Finnish European, 0.00017%; no homozygotes.

Submissions (2):

Labcorp Genetics (formerly Invitae), Labcorp
Classification: Uncertain significance for Capillary malformation-arteriovenous malformation syndrome. Last evaluated: 2026-01-26. Review status: criteria provided, single submitter. Criteria: Invitae Variant Classification Sherloc (09022015). Collection method: clinical testing. Allele origin: germline.
Comment: This sequence change replaces glycine, which is neutral and non-polar, with serine, which is neutral and polar, at codon 1017 of the RASA1 protein (p.Gly1017Ser). This variant is not present in population databases (gnomAD no frequency). This variant has not been reported in the literature in individuals affected with RASA1-related conditions. ClinVar contains an entry for this variant (Variation ID: 1437261). An algorithm developed to predict the effect of missense changes on protein structure and function (PolyPhen-2) suggests that this variant is likely to be disruptive. In summary, the available evidence is currently insufficient to determine the role of this variant in disease. Therefore, it has been classified as a Variant of Uncertain Significance.

Ambry Genetics
Classification: Uncertain significance for Cardiovascular phenotype. Last evaluated: 2022-01-12. Review status: criteria provided, single submitter. Criteria: Ambry Variant Classification Scheme 2023. Collection method: clinical testing. Allele origin: germline.
Comment: The p.G1017S variant (also known as c.3049G>A), located in coding exon 24 of the RASA1 gene, results from a G to A substitution at nucleotide position 3049. The glycine at codon 1017 is replaced by serine, an amino acid with similar properties. This amino acid position is conserved. In addition, the in silico prediction for this alteration is inconclusive. Since supporting evidence is limited at this time, the clinical significance of this alteration remains unclear.

NM_002890.3(RASA1):c.3049G>A (p.Gly1017Ser)

Genes: CCNH (cyclin H; minus strand), RASA1 (RAS p21 protein activator 1; plus strand). Cytogenetic location: 5q14.3.
Variant type: single nucleotide variant.
Coding change: c.3049G>A on transcript NM_002890.3 (MANE Select); coding-DNA position 3049, G replaced by A.
Protein change: p.Gly1017Ser; replaces glycine 1017 with serine.
Molecular consequence: missense variant. On other transcripts: intron variant (1).
Genome position (GRCh38, 1-based): chr5:87,389,516, G>A. VCF-style: chr5-87389516-G-A. GRCh37 (hg19) VCF-style: chr5-86685333-G-A.
Other names: c.2518G>A, p.Gly840Ser (NM_022650.3); c.933+5528C>T (NM_001364075.2); short protein forms G840S, G1017S.
Identifiers: ClinVar variation 1437261 (VCV001437261.10), dbSNP rs1762319822, ClinGen allele CA360388622.
Genomic context (GRCh38, chr5:87,389,516, plus strand): 5'-GCATTGCATGAGATTTGCGTGGCTCATTCAGATGAACTTCGAACGCTCAGTAATGAGCGT[G>A]GTGCACAGCAGGTAGGCTTTCGCCAGCCTTCATTAACAATGATGTTTCAAAGATAACACT-3'
Protein context (NP_002881.1, residues 1007-1027): DELRTLSNER[Gly1017Ser]AQQHVLKKLL